The following is an entry in ClinVar:

NM_000112.4(SLC26A2):c.836G>C (p.Arg279Pro)

Gene: SLC26A2 (solute carrier family 26 member 2; plus strand). Cytogenetic location: 5q32.
Variant type: single nucleotide variant.
Coding change: c.836G>C on transcript NM_000112.4 (MANE Select); coding-DNA position 836, G replaced by C.
Protein change: p.Arg279Pro; replaces arginine 279 with proline.
Molecular consequence: missense variant.
Genome position (GRCh38, 1-based): chr5:149,980,429, G>C. VCF-style: chr5-149980429-G-C. GRCh37 (hg19) VCF-style: chr5-149359992-G-C.
Other names: short protein forms R279P.
Identifiers: ClinVar variation 1513795 (VCV001513795.6), dbSNP rs114569184, ClinGen allele CA361706395.

ClinVar aggregate classification (germline): Uncertain significance (1 of 4 stars; one submission).

Conditions:
Multiple epiphyseal dysplasia type 4 (EDM4). Also called: SLC26A2-Related Multiple Epiphyseal Dysplasia; Multiple Epiphyseal Dysplasia, Recessive; MULTIPLE EPIPHYSEAL DYSPLASIA WITH BILAYERED PATELLAE; MULTIPLE EPIPHYSEAL DYSPLASIA WITH CLUBFOOT; MULTIPLE EPIPHYSEAL DYSPLASIA, AUTOSOMAL RECESSIVE. Identifiers: Orphanet 93307, MedGen C1847593, MONDO:0009189, OMIM 226900.
Achondrogenesis, type IB (ACG1B). Also called: Achondrogenesis Type 1B. Identifiers: Orphanet 932, Orphanet 93298, MedGen C0265274, MONDO:0010966, OMIM 600972.
Diastrophic dysplasia (DTD). Also called: Diastrophic dwarfism. Identifiers: Orphanet 628, MedGen C0220726, MONDO:0009107, OMIM 222600.
Atelosteogenesis type II (AO2). Also called: SLC26A2-Related Atelosteogenesis; NEONATAL OSSEOUS DYSPLASIA I; Neonatal osseous dysplasia 1. Identifiers: Orphanet 56304, MedGen C1850554, MONDO:0009727, OMIM 256050.

Submission:

Labcorp Genetics (formerly Invitae), Labcorp
Classification: Uncertain significance for Atelosteogenesis type II; Multiple epiphyseal dysplasia type 4; Achondrogenesis, type IB; Diastrophic dysplasia. Last evaluated: 2021-09-10. Review status: criteria provided, single submitter. Criteria: Invitae Variant Classification Sherloc (09022015). Collection method: clinical testing. Allele origin: germline.
Comment: Advanced modeling of protein sequence and biophysical properties (such as structural, functional, and spatial information, amino acid conservation, physicochemical variation, residue mobility, and thermodynamic stability) performed at Invitae indicates that this missense variant is expected to disrupt SLC26A2 protein function. This variant has not been reported in the literature in individuals affected with SLC26A2-related conditions. This variant is not present in population databases (ExAC no frequency). This sequence change replaces arginine with proline at codon 279 of the SLC26A2 protein (p.Arg279Pro). The arginine residue is highly conserved and there is a moderate physicochemical difference between arginine and proline. In summary, the available evidence is currently insufficient to determine the role of this variant in disease. Therefore, it has been classified as a Variant of Uncertain Significance.